The following is an entry in ClinVar:

NM_001102401.4(TTI2):c.687C>T (p.Phe229=)

Gene: TTI2 (TELO2 interacting protein 2; minus strand). Cytogenetic location: 8p12.
Variant type: single nucleotide variant.
Coding change: c.687C>T on transcript NM_001102401.4 (MANE Select); coding-DNA position 687, C replaced by T.
Protein change: p.Phe229=; no amino-acid change (phenylalanine 229 retained).
Molecular consequence: synonymous variant.
Genome position (GRCh38, 1-based): chr8:33,509,893, G>A on the plus strand (C>T on the coding strand, the complement: TTI2 is on the minus strand). VCF-style: chr8-33509893-G-A. GRCh37 (hg19) VCF-style: chr8-33367411-G-A.
Other names: c.687C>T, p.Phe229= (NM_001265581.2, NM_001330505.3, NM_025115.5).
Identifiers: ClinVar variation 3046396 (VCV003046396.2), dbSNP rs1038077253, ClinGen allele CA174963325.
Genomic context (GRCh38, chr8:33,509,893, plus strand): 5'-AAGTACCCTTTCCAGATGCTGGCTCAGCCAGGGCCGAGTGACCTGTTGCAGAGTCCATGA[G>A]AAAACATGTTTGATGGCAGGGTTATTCTTCCAGGATTCCCTAAGTGAATACATAGAATTA-3'
Protein context (NP_001095871.1, residues 219-239): WKNNPAIKHV[Phe229=]SWTLQQVTRP

ClinVar aggregate classification (germline): Likely benign (0 of 4 stars; one submission).

Conditions:
TTI2-related disorder. Also called: TTI2-related condition.

Allele frequency attached by ClinVar (database versions not stated): gnomAD 0.00001.
gnomAD v4.1: 6 of 1,538,086 alleles (0.00039%); highest among the groups gnomAD compares: Non-Finnish European, 0.00044%; no homozygotes.

Submission:

PreventionGenetics, part of Exact Sciences
Classification: Likely benign for TTI2-related condition. Last evaluated: 2020-04-08. Review status: no assertion criteria provided. Collection method: clinical testing. Allele origin: germline.
Comment: This variant is classified as likely benign based on ACMG/AMP sequence variant interpretation guidelines (Richards et al. 2015 PMID: 25741868, with internal and published modifications).